The following is an entry in ClinVar:

ClinVar aggregate classification (germline): Uncertain significance (1 of 4 stars; one submission).

Allele frequency attached by ClinVar (database versions not stated): gnomAD 0.00001; TOPMed 0.00003; gnomAD exomes 0.00006; ExAC 0.00020; 1000 Genomes Project 30x 0.00031.
gnomAD v4.1: 105 of 1,614,076 alleles (0.0065%); highest among the groups gnomAD compares: Non-Finnish European, 0.006%; no homozygotes.

Submission:

Labcorp Genetics (formerly Invitae), Labcorp
Classification: Uncertain significance. Last evaluated: 2022-08-22. Review status: criteria provided, single submitter. Criteria: Invitae Variant Classification Sherloc (09022015). Collection method: clinical testing. Allele origin: germline.
Comment: This sequence change replaces threonine, which is neutral and polar, with isoleucine, which is neutral and non-polar, at codon 684 of the FNIP1 protein (p.Thr684Ile). This variant is present in population databases (rs201494979, gnomAD 0.02%), including at least one homozygous and/or hemizygous individual. This variant has not been reported in the literature in individuals affected with FNIP1-related conditions. Algorithms developed to predict the effect of missense changes on protein structure and function (SIFT, PolyPhen-2, Align-GVGD) all suggest that this variant is likely to be tolerated. In summary, the available evidence is currently insufficient to determine the role of this variant in disease. Therefore, it has been classified as a Variant of Uncertain Significance.

NM_133372.3(FNIP1):c.2051C>T (p.Thr684Ile)

Gene: FNIP1 (folliculin interacting protein 1; minus strand). Cytogenetic location: 5q31.1.
Variant type: single nucleotide variant.
Coding change: c.2051C>T on transcript NM_133372.3 (MANE Select); coding-DNA position 2051, C replaced by T.
Protein change: p.Thr684Ile; replaces threonine 684 with isoleucine.
Molecular consequence: missense variant.
Genome position (GRCh38, 1-based): chr5:131,672,393, G>A on the plus strand (C>T on the coding strand, the complement: FNIP1 is on the minus strand). VCF-style: chr5-131672393-G-A. GRCh37 (hg19) VCF-style: chr5-131008086-G-A.
Other names: c.1967C>T, p.Thr656Ile (NM_001008738.3); c.1916C>T, p.Thr639Ile (NM_001346114.2); short protein forms T656I, T639I, T684I.
Identifiers: ClinVar variation 1936931 (VCV001936931.2), dbSNP rs201494979, ClinGen allele CA3400573.